The following is an entry in ClinVar:

ClinVar aggregate classification (germline): Likely benign (1 of 4 stars; one submission).

Allele frequency attached by ClinVar (database versions not stated): 1000 Genomes Project 0.00240; 1000 Genomes Project 30x 0.00281; ExAC 0.00391; gnomAD 0.00391; TOPMed 0.00426; ESP Exome Variant Server 0.00577; gnomAD exomes 0.00646.
gnomAD v4.1: 9,949 of 1,606,608 alleles (0.62%); highest among the groups gnomAD compares: Non-Finnish European, 0.76%; 30 homozygotes.

Submission:

CeGaT Center for Human Genetics Tuebingen
Classification: Likely benign. Last evaluated: 2024-11-01. Review status: criteria provided, single submitter. Criteria: CeGaT Center For Human Genetics Tuebingen Variant Classification Criteria Version 2. Collection method: clinical testing. Allele origin: germline. Affected: yes. Observed: 2 variant alleles.
Comment: PLCL1: BP4, BS2

NM_006226.4(PLCL1):c.2919+8A>G

Gene: PLCL1 (phospholipase C like 1 (inactive); plus strand). Cytogenetic location: 2q33.1.
Variant type: single nucleotide variant.
Coding change: c.2919+8A>G on transcript NM_006226.4 (MANE Select); 8 bases into the intron after coding-DNA position 2919, A replaced by G.
Molecular consequence: intron variant.
Genome position (GRCh38, 1-based): chr2:198,089,069, A>G. VCF-style: chr2-198089069-A-G. GRCh37 (hg19) VCF-style: chr2-198953793-A-G.
Identifiers: ClinVar variation 2651802 (VCV002651802.24), dbSNP rs41270239, ClinGen allele CA2045606.